The following is an entry in ClinVar:

ClinVar aggregate classification (germline): Uncertain significance (1 of 4 stars; one submission).

gnomAD v4.1: 26 of 1,613,380 alleles (0.0016%); highest among the groups gnomAD compares: Non-Finnish European, 0.002%; no homozygotes.

Submission:

Labcorp Genetics (formerly Invitae), Labcorp
Classification: Uncertain significance. Last evaluated: 2024-10-31. Review status: criteria provided, single submitter. Criteria: Invitae Variant Classification Sherloc (09022015). Collection method: clinical testing. Allele origin: germline.
Comment: This sequence change replaces glutamic acid, which is acidic and polar, with lysine, which is basic and polar, at codon 366 of the ARHGEF10 protein (p.Glu366Lys). This variant is present in population databases (rs766540234, gnomAD 0.002%). This variant has not been reported in the literature in individuals affected with ARHGEF10-related conditions. Invitae Evidence Modeling of protein sequence and biophysical properties (such as structural, functional, and spatial information, amino acid conservation, physicochemical variation, residue mobility, and thermodynamic stability) indicates that this missense variant is not expected to disrupt ARHGEF10 protein function with a negative predictive value of 80%. In summary, the available evidence is currently insufficient to determine the role of this variant in disease. Therefore, it has been classified as a Variant of Uncertain Significance.

NM_014629.4(ARHGEF10):c.1096G>A (p.Glu366Lys)

Gene: ARHGEF10 (Rho guanine nucleotide exchange factor 10; plus strand). Cytogenetic location: 8p23.3.
Variant type: single nucleotide variant.
Coding change: c.1096G>A on transcript NM_014629.4 (MANE Select); coding-DNA position 1096, G replaced by A.
Protein change: p.Glu366Lys; replaces glutamic acid 366 with lysine.
Molecular consequence: missense variant.
Genome position (GRCh38, 1-based): chr8:1,885,621, G>A. VCF-style: chr8-1885621-G-A. GRCh37 (hg19) VCF-style: chr8-1833787-G-A.
Other names: c.1099G>A, p.Glu367Lys (NM_001308153.3); c.982G>A, p.Glu328Lys (NM_001308152.2); short protein forms E366K, E328K, E391K, E367K.
Identifiers: ClinVar variation 3714339 (VCV003714339.2).